The following is an entry in ClinVar:

ClinVar aggregate classification (germline): Likely benign (1 of 4 stars; one submission).

Conditions:
PLXNA2-related disorder. Also called: PLXNA2-related condition.

gnomAD v4.1: 28 of 1,613,956 alleles (0.0017%); highest among the groups gnomAD compares: Admixed American, 0.0033%; no homozygotes.

Submission:

PreventionGenetics, part of Exact Sciences
Classification: Likely benign for PLXNA2-related condition. Last evaluated: 2025-01-29. Review status: criteria provided, single submitter. Criteria: ACMG Guidelines, 2015. Collection method: clinical testing. Allele origin: germline.
Comment: This variant is classified as likely benign based on ACMG/AMP sequence variant interpretation guidelines (Richards et al. 2015 PMID: 25741868, with internal and published modifications).

NM_025179.4(PLXNA2):c.1137C>T (p.Gly379=)

Gene: PLXNA2 (plexin A2; minus strand). Cytogenetic location: 1q32.2.
Variant type: single nucleotide variant.
Coding change: c.1137C>T on transcript NM_025179.4 (MANE Select); coding-DNA position 1137, C replaced by T.
Protein change: p.Gly379=; no amino-acid change (glycine 379 retained).
Molecular consequence: synonymous variant.
Genome position (GRCh38, 1-based): chr1:208,216,786, G>A on the plus strand (C>T on the coding strand, the complement: PLXNA2 is on the minus strand). VCF-style: chr1-208216786-G-A. GRCh37 (hg19) VCF-style: chr1-208390131-G-A.
Identifiers: ClinVar variation 4979028 (VCV004979028.1).